The following is an entry in ClinVar:

NM_001130965.3(SUN1):c.191C>A (p.Thr64Asn)

Gene: SUN1 (Sad1 and UNC84 domain containing 1; plus strand). Cytogenetic location: 7p22.3.
Variant type: single nucleotide variant.
Coding change: c.191C>A on transcript NM_001130965.3 (MANE Select); coding-DNA position 191, C replaced by A.
Protein change: p.Thr64Asn; replaces threonine 64 with asparagine.
Molecular consequence: missense variant. On other transcripts: 5 prime UTR variant (2), non-coding transcript variant (3), intron variant (2).
Genome position (GRCh38, 1-based): chr7:838,911, C>A. VCF-style: chr7-838911-C-A. GRCh37 (hg19) VCF-style: chr7-878548-C-A.
Other names: c.191C>A, p.Thr64Asn (NM_001171944.2, NM_001171946.2, NM_001367633.1 and 34 more transcripts); c.254C>A, p.Thr85Asn (NM_001171945.2); c.-267C>A (NM_001367635.1); c.41C>A, p.Thr14Asn (NM_001367636.1, NM_001367637.1, NM_001367644.1 and 24 more transcripts); c.410C>A, p.Thr137Asn (NM_001367651.1); c.-571C>A (NM_001367658.1); c.78-3035C>A (NM_001367695.1); c.-301-3035C>A (NM_001367639.1); short protein forms T137N, T14N, T64N, T85N.
Identifiers: ClinVar variation 3609741 (VCV003609741.2).
Genomic context (GRCh38, chr7:838,911, plus strand): 5'-CTGTATTTGATTCTCCACGGATGTCCCGCCGTAGTTTGCGCCTGGCCACGACAGCATGCA[C>A]CCTGGGGGATGGTGAGGCTGTGGGTGCCGACAGCGGCACCAGCAGCGCTGTCTCCCTGAA-3'
Protein context (NP_001124437.1, residues 54-74): RSLRLATTAC[Thr64Asn]LGDGEAVGAD

ClinVar aggregate classification (germline): Uncertain significance (1 of 4 stars; one submission).

Conditions:
Emery-Dreifuss muscular dystrophy (EDMD). Also called: Scapuloperoneal syndrome, X-linked (formerly); Humeroperoneal neuromuscular disease, (formerly). Identifiers: Orphanet 261, MedGen C0410189, MONDO:0016830.

gnomAD v4.1: 2 of 1,611,510 alleles (0.00012%); highest among the groups gnomAD compares: Admixed American, 0.0017%; no homozygotes.

Submission:

Labcorp Genetics (formerly Invitae), Labcorp
Classification: Uncertain significance for Emery-Dreifuss muscular dystrophy. Last evaluated: 2024-02-13. Review status: criteria provided, single submitter. Criteria: Invitae Variant Classification Sherloc (09022015). Collection method: clinical testing. Allele origin: germline.
Comment: This sequence change replaces threonine, which is neutral and polar, with asparagine, which is neutral and polar, at codon 64 of the SUN1 protein (p.Thr64Asn). The frequency data for this variant in the population databases is considered unreliable, as metrics indicate poor data quality at this position in the gnomAD database. This variant has not been reported in the literature in individuals affected with SUN1-related conditions. An algorithm developed to predict the effect of missense changes on protein structure and function (PolyPhen-2) suggests that this variant is likely to be tolerated. In summary, the available evidence is currently insufficient to determine the role of this variant in disease. Therefore, it has been classified as a Variant of Uncertain Significance.